The following is an entry in ClinVar:

NM_201525.4(ADGRG1):c.1744A>T (p.Met582Leu)

Gene: ADGRG1 (adhesion G protein-coupled receptor G1; plus strand). Cytogenetic location: 16q21.
Variant type: single nucleotide variant.
Coding change: c.1744A>T on transcript NM_201525.4 (MANE Select); coding-DNA position 1744, A replaced by T.
Protein change: p.Met582Leu; replaces methionine 582 with leucine.
Molecular consequence: missense variant.
Genome position (GRCh38, 1-based): chr16:57,661,776, A>T. VCF-style: chr16-57661776-A-T. GRCh37 (hg19) VCF-style: chr16-57695688-A-T.
Other names: p.Met588Leu; c.1744A>T, p.Met582Leu (NM_001145770.3, NM_001145772.3, NM_001145774.3 and 7 more transcripts); c.1762A>T, p.Met588Leu (NM_001145771.3, NM_001370428.1, NM_001370429.1 and 4 more transcripts); c.1759A>T, p.Met587Leu (NM_001145773.3, NM_001370433.1, NM_001370434.1); c.1252A>T, p.Met418Leu (NM_001290142.2); c.1237A>T, p.Met413Leu (NM_001290143.2); c.1219A>T, p.Met407Leu (NM_001290144.2, NM_001370451.1, NM_001370453.1 and 1 more transcripts); c.1741A>T, p.Met581Leu (NM_001370441.1); and 1 more; short protein forms M413L, M530L, M418L, M582L, M587L, M588L, M407L, M581L.
Identifiers: ClinVar variation 886848 (VCV000886848.15), dbSNP rs775708467, ClinGen allele CA8078845.

ClinVar aggregate classification (germline): Conflicting classifications of pathogenicity. Review status: criteria provided, conflicting classifications (1 of 4 stars). 4 submissions from 4 submitters: Uncertain significance (3); Likely benign (1). Last evaluated 2026-01-19.

Conditions:
Bilateral frontoparietal polymicrogyria. Also called: CORTICAL DYSPLASIA, COMPLEX, WITH OTHER BRAIN MALFORMATIONS 14A (BILATERAL FRONTOPARIETAL); CEREBELLAR ATAXIA WITH NEURONAL MIGRATION DEFECT. Identifiers: Orphanet 101070, MedGen C1847352, MONDO:0011738, OMIM 606854.

Allele frequency attached by ClinVar (database versions not stated): gnomAD 0.00006; TOPMed 0.00007.
gnomAD v4.1: 84 of 1,614,112 alleles (0.0052%); highest among the groups gnomAD compares: Non-Finnish European, 0.0065%; no homozygotes.

Submissions (4):

Labcorp Genetics (formerly Invitae), Labcorp
Classification: Likely benign. Last evaluated: 2026-01-19. Review status: criteria provided, single submitter. Criteria: Invitae Variant Classification Sherloc (09022015). Collection method: clinical testing. Allele origin: germline.

Mayo Clinic Laboratories, Mayo Clinic
Classification: Uncertain significance. Last evaluated: 2024-10-03. Review status: criteria provided, single submitter. Criteria: ACMG Guidelines, 2015. Collection method: clinical testing. Allele origin: germline. Observed: 1 variant allele.
Comment: BP4, PM2_supporting

GeneDx
Classification: Uncertain significance. Last evaluated: 2023-04-20. Review status: criteria provided, single submitter. Criteria: GeneDx Variant Classification Process June 2021. Collection method: clinical testing. Allele origin: germline.
Comment: Not observed at significant frequency in large population cohorts (gnomAD); In silico analysis supports that this missense variant does not alter protein structure/function; Has not been previously published as pathogenic or benign to our knowledge

Illumina Laboratory Services, Illumina
Classification: Uncertain significance for Bilateral frontoparietal polymicrogyria. Last evaluated: 2018-01-12. Review status: criteria provided, single submitter. Criteria: ICSL Variant Classification Criteria 13 December 2019. Collection method: clinical testing. Allele origin: germline.